The following is an entry in ClinVar:

NM_198999.3(SLC26A5):c.646G>A (p.Ala216Thr)

Gene: SLC26A5 (solute carrier family 26 member 5; minus strand). Cytogenetic location: 7q22.1.
Variant type: single nucleotide variant.
Coding change: c.646G>A on transcript NM_198999.3 (MANE Select); coding-DNA position 646, G replaced by A.
Protein change: p.Ala216Thr; replaces alanine 216 with threonine.
Molecular consequence: missense variant. On other transcripts: non-coding transcript variant (5).
Genome position (GRCh38, 1-based): chr7:103,410,474, C>T on the plus strand (G>A on the coding strand, the complement: SLC26A5 is on the minus strand). VCF-style: chr7-103410474-C-T. GRCh37 (hg19) VCF-style: chr7-103050921-C-T.
Other names: c.646G>A (NM_198999.2); c.646G>A, p.Ala216Thr (NM_001167962.2, NM_001321787.2, NM_206883.3 and 2 more transcripts); short protein forms A216T.
Identifiers: ClinVar variation 2180539 (VCV002180539.7), dbSNP rs745378351, ClinGen allele CA163903199.

ClinVar aggregate classification (germline): Conflicting classifications of pathogenicity. Review status: criteria provided, conflicting classifications (1 of 4 stars). 5 submissions from 5 submitters: Likely pathogenic (1); Uncertain significance (3). 1 of the submissions does not count toward it. Last evaluated 2025-09-13.

Conditions:
SLC26A5-related disorder. Also called: SLC26A5-related condition.
Inborn genetic diseases. Identifiers: MedGen C0950123, MeSH D030342.
Autosomal recessive nonsyndromic hearing loss 61. Identifiers: Orphanet 90636, MedGen C3151230, MONDO:0013471, OMIM 613865.

Allele frequency attached by ClinVar (database versions not stated): TOPMed 0.00003; gnomAD exomes 0.00004.
gnomAD v4.1: 58 of 1,613,794 alleles (0.0036%); highest among the groups gnomAD compares: Non-Finnish European, 0.0047%; no homozygotes.

Submissions (5):

Labcorp Genetics (formerly Invitae), Labcorp
Classification: Uncertain significance. Last evaluated: 2025-09-13. Review status: criteria provided, single submitter. Criteria: Invitae Variant Classification Sherloc (09022015). Collection method: clinical testing. Allele origin: germline.
Comment: This sequence change replaces alanine, which is neutral and non-polar, with threonine, which is neutral and polar, at codon 216 of the SLC26A5 protein (p.Ala216Thr). This variant is present in population databases (no rsID available, gnomAD 0.002%). This variant has not been reported in the literature in individuals affected with SLC26A5-related conditions. ClinVar contains an entry for this variant (Variation ID: 2180539). Invitae Evidence Modeling of protein sequence and biophysical properties (such as structural, functional, and spatial information, amino acid conservation, physicochemical variation, residue mobility, and thermodynamic stability) indicates that this missense variant is expected to disrupt SLC26A5 protein function with a positive predictive value of 80%. In summary, the available evidence is currently insufficient to determine the role of this variant in disease. Therefore, it has been classified as a Variant of Uncertain Significance.

Ambry Genetics
Classification: Uncertain significance for Inborn genetic diseases. Last evaluated: 2025-08-09. Review status: criteria provided, single submitter. Criteria: Ambry Variant Classification Scheme 2023. Collection method: clinical testing. Allele origin: germline.

Laboratory of Prof. Karen Avraham, Tel Aviv University
Classification: Likely pathogenic for Autosomal recessive nonsyndromic hearing loss 61. Last evaluated: 2024-06-06. Review status: criteria provided, single submitter. Criteria: ACMG Guidelines, 2015. Collection method: research. Allele origin: germline. Affected: yes. Observed: 1 variant allele.
Comment: Homozygosity of a very rare variant in a known deafness gene, predicted deleterious by most prediction programs

DFNB61; moderate-profound HL

Blueprint Genetics
Classification: Uncertain significance. Last evaluated: 2020-08-28. Review status: criteria provided, single submitter. Criteria: ACMG Guidelines, 2015. Collection method: clinical testing. Allele origin: germline.

PreventionGenetics, part of Exact Sciences
Classification: Uncertain significance for SLC26A5-related condition. Last evaluated: 2024-02-07. Review status: no assertion criteria provided. Collection method: clinical testing. Allele origin: germline. Not counted in ClinVar's aggregate classification.
Comment: The SLC26A5 c.646G>A variant is predicted to result in the amino acid substitution p.Ala216Thr. To our knowledge, this variant has not been reported in the literature. This variant is reported in 0.0018% of alleles in individuals of European (Non-Finnish) descent in gnomAD. At this time, the clinical significance of this variant is uncertain due to the absence of conclusive functional and genetic evidence.